The following is an entry in ClinVar:

NM_012213.3(MLYCD):c.*460A>C

Gene: MLYCD (malonyl-CoA decarboxylase; plus strand). Cytogenetic location: 16q23.3.
Variant type: single nucleotide variant.
Coding change: c.*460A>C on transcript NM_012213.3 (MANE Select); 460 bases downstream of the stop codon, A replaced by C.
Molecular consequence: 3 prime UTR variant.
Genome position (GRCh38, 1-based): chr16:83,915,949, A>C. VCF-style: chr16-83915949-A-C. GRCh37 (hg19) VCF-style: chr16-83949554-A-C.
Identifiers: ClinVar variation 320754 (VCV000320754.6), dbSNP rs1127387, ClinGen allele CA10644383.
Genomic context (GRCh38, chr16:83,915,949, plus strand): 5'-GGTGTTCCTTTGTGCTCATAAAACAGAATGCGGCGATGGTTGCTTTAGCCGTTTCTCACC[A>C]TGCAATGCAGAGGGACAAAGGGCTGTGCTACACTTCCCAGTTACATTCTGAAGCTCATAA-3'

ClinVar aggregate classification (germline): Benign. Review status: criteria provided, multiple submitters, no conflicts (2 of 4 stars). 2 submissions from 2 submitters: Benign (2). Last evaluated 2018-01-13.

Conditions:
Deficiency of malonyl-CoA decarboxylase. Also called: Malonic aciduria; MCD deficiency. Identifiers: Orphanet 943, MedGen C0342793, MONDO:0009556, OMIM 248360.

Allele frequency attached by ClinVar (database versions not stated): 1000 Genomes Project 0.07668; 1000 Genomes Project 30x 0.07886; gnomAD 0.09922 and 0.10180; TOPMed 0.10592.
gnomAD v4.1: 133,077 of 1,062,602 alleles (13%); highest among the groups gnomAD compares: Non-Finnish European, 13%; 8,567 homozygotes.

Submissions (2):

Illumina Laboratory Services, Illumina
Classification: Benign for Deficiency of malonyl-CoA decarboxylase. Last evaluated: 2018-01-13. Review status: criteria provided, single submitter. Criteria: ICSL Variant Classification Criteria 13 December 2019. Collection method: clinical testing. Allele origin: germline.
Comment: This variant was observed in the ICSL laboratory as part of a predisposition screen in an ostensibly healthy population. It had not been previously curated by ICSL or reported in the Human Gene Mutation Database (HGMD: prior to June 1st, 2018), and was therefore a candidate for classification through an automated scoring system. Utilizing variant allele frequency, disease prevalence and penetrance estimates, and inheritance mode, an automated score was calculated to assess if this variant is too frequent to cause the disease. Based on the score and internal cut-off values, a variant classified as benign is not then subjected to further curation. The score for this variant resulted in a classification of benign for this disease.

Breakthrough Genomics
Classification: Benign. Review status: criteria provided, single submitter. Criteria: ACMG Guidelines, 2015. Collection method: not provided. Allele origin: germline. Inheritance: Autosomal recessive inheritance. Affected: yes.